The following is an entry in ClinVar:

ClinVar aggregate classification (germline): Uncertain significance (1 of 4 stars; one submission).

Conditions:
Dilated cardiomyopathy 1O (CMD1O). Also called: CARDIOMYOPATHY, DILATED, WITH VENTRICULAR TACHYCARDIA. Identifiers: Orphanet 154, MedGen C1837839, MONDO:0012062, OMIM 608569.

Submission:

Labcorp Genetics (formerly Invitae), Labcorp
Classification: Uncertain significance for Dilated cardiomyopathy 1O. Last evaluated: 2021-11-23. Review status: criteria provided, single submitter. Criteria: Invitae Variant Classification Sherloc (09022015). Collection method: clinical testing. Allele origin: germline.
Comment: This sequence change replaces threonine, which is neutral and polar, with alanine, which is neutral and non-polar, at codon 687 of the ABCC9 protein (p.Thr687Ala). This variant is not present in population databases (gnomAD no frequency). This variant has not been reported in the literature in individuals affected with ABCC9-related conditions. Algorithms developed to predict the effect of missense changes on protein structure and function (SIFT, PolyPhen-2, Align-GVGD) all suggest that this variant is likely to be tolerated. In summary, the available evidence is currently insufficient to determine the role of this variant in disease. Therefore, it has been classified as a Variant of Uncertain Significance.

NM_020297.4(ABCC9):c.2059A>G (p.Thr687Ala)

Gene: ABCC9 (ATP binding cassette subfamily C member 9; minus strand). Cytogenetic location: 12p12.1.
Variant type: single nucleotide variant.
Coding change: c.2059A>G on transcript NM_020297.4 (MANE Select); coding-DNA position 2059, A replaced by G.
Protein change: p.Thr687Ala; replaces threonine 687 with alanine.
Molecular consequence: missense variant.
Genome position (GRCh38, 1-based): chr12:21,875,687, T>C on the plus strand (A>G on the coding strand, the complement: ABCC9 is on the minus strand). VCF-style: chr12-21875687-T-C. GRCh37 (hg19) VCF-style: chr12-22028621-T-C.
Other names: c.2059A>G, p.Thr687Ala (NM_001377273.1, NM_005691.4); c.1195A>G, p.Thr399Ala (NM_001377274.1); short protein forms T687A, T399A.
Identifiers: ClinVar variation 1471255 (VCV001471255.6), dbSNP rs2137602892, ClinGen allele CA384134340.